The following is an entry in ClinVar:

ClinVar aggregate classification (germline): Uncertain significance (1 of 4 stars; one submission).

Conditions:
Warts, hypogammaglobulinemia, infections, and myelokathexis. Also called: WHIM syndrome. Identifiers: MedGen C0472817, MONDO:0023880.

Submission:

Labcorp Genetics (formerly Invitae), Labcorp
Classification: Uncertain significance for Warts, hypogammaglobulinemia, infections, and myelokathexis. Last evaluated: 2022-09-06. Review status: criteria provided, single submitter. Criteria: Invitae Variant Classification Sherloc (09022015). Collection method: clinical testing. Allele origin: germline.
Comment: Algorithms developed to predict the effect of missense changes on protein structure and function output the following: SIFT: "Tolerated"; PolyPhen-2: "Benign"; Align-GVGD: "Class C0". The aspartic acid amino acid residue is found in multiple mammalian species, which suggests that this missense change does not adversely affect protein function. In summary, the available evidence is currently insufficient to determine the role of this variant in disease. Therefore, it has been classified as a Variant of Uncertain Significance. ClinVar contains an entry for this variant (Variation ID: 1424536). This variant has not been reported in the literature in individuals affected with CXCR4-related conditions. This variant is not present in population databases (gnomAD no frequency). This sequence change replaces glutamic acid, which is acidic and polar, with aspartic acid, which is acidic and polar, at codon 277 of the CXCR4 protein (p.Glu277Asp).

NM_003467.3(CXCR4):c.831G>C (p.Glu277Asp)

Gene: CXCR4 (C-X-C motif chemokine receptor 4; minus strand). Cytogenetic location: 2q22.1.
Variant type: single nucleotide variant.
Coding change: c.831G>C on transcript NM_003467.3 (MANE Select); coding-DNA position 831, G replaced by C.
Protein change: p.Glu277Asp; replaces glutamic acid 277 with aspartic acid.
Molecular consequence: missense variant.
Genome position (GRCh38, 1-based): chr2:136,115,097, C>G on the plus strand (G>C on the coding strand, the complement: CXCR4 is on the minus strand). VCF-style: chr2-136115097-C-G. GRCh37 (hg19) VCF-style: chr2-136872667-C-G.
Other names: c.843G>C, p.Glu281Asp (NM_001008540.2); c.1044G>C, p.Glu348Asp (NM_001348056.2); c.930G>C, p.Glu310Asp (NM_001348059.2); c.786G>C, p.Glu262Asp (NM_001348060.2); short protein forms E262D, E310D, E348D, E277D, E281D.
Identifiers: ClinVar variation 1424536 (VCV001424536.8), dbSNP rs2104915918, ClinGen allele CA348657872.